The following is an entry in ClinVar:

ClinVar aggregate classification (germline): Uncertain significance (1 of 4 stars; one submission).

Conditions:
Intellectual developmental disorder, autosomal dominant 65. Also called: MENTAL RETARDATION, AUTOSOMAL DOMINANT 65. Identifiers: MedGen C5543371, MONDO:0023657, OMIM 619320.

gnomAD v4.1: 1 of 1,613,482 alleles (0.000062%); highest among the groups gnomAD compares: Non-Finnish European, 0.000085%; no homozygotes.

Submission:

MVZ Medizinische Genetik Mainz
Classification: Uncertain significance for Intellectual developmental disorder, autosomal dominant 65. Last evaluated: 2026-05-15. Review status: criteria provided, single submitter. Criteria: UK Practice Guidelines For Variant Classification V4 01 2020. Collection method: clinical testing. Allele origin: germline. Inheritance: Autosomal dominant inheritance. Affected: yes. Observed: 1 variant allele.
Comment: ACMG Criteria: PVS1_MOD,PM2_SUP

NM_015015.3(KDM4B):c.781-2A>G

Gene: KDM4B (lysine demethylase 4B; plus strand). Cytogenetic location: 19p13.3.
Variant type: single nucleotide variant.
Coding change: c.781-2A>G on transcript NM_015015.3 (MANE Select); the canonical splice acceptor site of the intron before coding-DNA position 781, A replaced by G.
Molecular consequence: splice acceptor variant.
Genome position (GRCh38, 1-based): chr19:5,082,365, A>G. VCF-style: chr19-5082365-A-G. GRCh37 (hg19) VCF-style: chr19-5082376-A-G.
Other names: c.781-2A>G (NM_001370093.1, NM_001370094.1, NM_001411148.1).
Identifiers: ClinVar variation 4857281 (VCV004857281.1).